The following is an entry in ClinVar:

NM_004525.3(LRP2):c.4289T>C (p.Val1430Ala)

Gene: LRP2 (LDL receptor related protein 2; minus strand). Cytogenetic location: 2q31.1.
Variant type: single nucleotide variant.
Coding change: c.4289T>C on transcript NM_004525.3 (MANE Select); coding-DNA position 4289, T replaced by C.
Protein change: p.Val1430Ala; replaces valine 1430 with alanine.
Molecular consequence: missense variant.
Genome position (GRCh38, 1-based): chr2:169,239,532, A>G on the plus strand (T>C on the coding strand, the complement: LRP2 is on the minus strand). VCF-style: chr2-169239532-A-G. GRCh37 (hg19) VCF-style: chr2-170096042-A-G.
Other names: short protein forms V1430A.
Identifiers: ClinVar variation 1968088 (VCV001968088.3), dbSNP rs968089319, ClinGen allele CA59913041.

ClinVar aggregate classification (germline): Uncertain significance. Review status: criteria provided, multiple submitters, no conflicts (2 of 4 stars). 2 submissions from 2 submitters: Uncertain significance (2). Last evaluated 2024-02-21.

Conditions:
Donnai-Barrow syndrome. Also called: DBS/FOAR SYNDROME; FACIOOCULOACOUSTICORENAL SYNDROME. Identifiers: Orphanet 2143, MedGen C1857277, MONDO:0009104, OMIM 222448.

Allele frequency attached by ClinVar (database versions not stated): TOPMed 0.00001.
gnomAD v4.1: 3 of 1,614,056 alleles (0.00019%); highest among the groups gnomAD compares: Non-Finnish European, 0.00025%; no homozygotes.

Submissions (2):

Fulgent Genetics
Classification: Uncertain significance for Donnai-Barrow syndrome. Last evaluated: 2024-02-21. Review status: criteria provided, single submitter. Criteria: ACMG Guidelines, 2015. Collection method: clinical testing. Allele origin: germline.

Labcorp Genetics (formerly Invitae), Labcorp
Classification: Uncertain significance. Last evaluated: 2022-03-14. Review status: criteria provided, single submitter. Criteria: Invitae Variant Classification Sherloc (09022015). Collection method: clinical testing. Allele origin: germline.
Comment: This sequence change replaces valine, which is neutral and non-polar, with alanine, which is neutral and non-polar, at codon 1430 of the LRP2 protein (p.Val1430Ala). This variant is not present in population databases (gnomAD no frequency). This variant has not been reported in the literature in individuals affected with LRP2-related conditions. Advanced modeling of protein sequence and biophysical properties (such as structural, functional, and spatial information, amino acid conservation, physicochemical variation, residue mobility, and thermodynamic stability) performed at Invitae indicates that this missense variant is not expected to disrupt LRP2 protein function. In summary, the available evidence is currently insufficient to determine the role of this variant in disease. Therefore, it has been classified as a Variant of Uncertain Significance.